The following is an entry in ClinVar:

ClinVar aggregate classification (germline): Conflicting classifications of pathogenicity. Review status: criteria provided, conflicting classifications (1 of 4 stars). 4 submissions from 4 submitters: Uncertain significance (3); Likely benign (1). Last evaluated 2025-04-01.

Conditions:
Hereditary breast ovarian cancer syndrome. Also called: BRCA1- and BRCA2-Associated Hereditary Breast and Ovarian Cancer; Hereditary breast and ovarian cancer syndrome; Hereditary breast and ovarian cancer; Hereditary breast and ovarian cancer syndrome (HBOC); Breast and ovarian cancer; Hereditary breast and/or ovarian cancer syndrome. Identifiers: Orphanet 145, MedGen C0677776, MeSH D061325, MONDO:0003582. Disease mechanism: loss of function.
Hereditary cancer-predisposing syndrome. Also called: Neoplastic Syndromes, Hereditary; Tumor predisposition; Hereditary Cancer Syndrome; Hereditary neoplastic syndrome. Identifiers: Orphanet 140162, MedGen C0027672, MeSH D009386, MONDO:0015356.

Submissions (4):

Labcorp Genetics (formerly Invitae), Labcorp
Classification: Uncertain significance for Hereditary breast ovarian cancer syndrome. Last evaluated: 2025-04-01. Review status: criteria provided, single submitter. Criteria: Invitae Variant Classification Sherloc (09022015). Collection method: clinical testing. Allele origin: germline.
Comment: This sequence change replaces lysine, which is basic and polar, with glutamic acid, which is acidic and polar, at codon 1729 of the BRCA2 protein (p.Lys1729Glu). This variant is not present in population databases (gnomAD no frequency). This variant has not been reported in the literature in individuals affected with BRCA2-related conditions. ClinVar contains an entry for this variant (Variation ID: 920398). Invitae Evidence Modeling of protein sequence and biophysical properties (such as structural, functional, and spatial information, amino acid conservation, physicochemical variation, residue mobility, and thermodynamic stability) indicates that this missense variant is not expected to disrupt BRCA2 protein function with a negative predictive value of 95%. In summary, the available evidence is currently insufficient to determine the role of this variant in disease. Therefore, it has been classified as a Variant of Uncertain Significance.

Ambry Genetics
Classification: Uncertain significance for Hereditary cancer-predisposing syndrome. Last evaluated: 2024-04-11. Review status: criteria provided, single submitter. Criteria: Ambry Variant Classification Scheme 2023. Collection method: clinical testing. Allele origin: germline.
Comment: The p.K1729E variant (also known as c.5185A>G), located in coding exon 10 of the BRCA2 gene, results from an A to G substitution at nucleotide position 5185. The lysine at codon 1729 is replaced by glutamic acid, an amino acid with similar properties. This amino acid position is not well conserved in available vertebrate species. In addition, this alteration is predicted to be tolerated by in silico analysis. Based on the available evidence, the clinical significance of this variant remains unclear.

University of Washington Department of Laboratory Medicine, University of Washington
Classification: Likely benign for Hereditary cancer-predisposing syndrome. Last evaluated: 2023-03-23. Review status: criteria provided, single submitter. Criteria: Dines et al. (Genet Med. 2020). Collection method: curation. Allele origin: germline.
Comment: Missense variant in a coldspot region where missense variants are very unlikely to be pathogenic (PMID:31911673).

BRCA2 exon 11 coldspot. Reclassification based on statistical prior probability.

Color Diagnostics, LLC DBA Color Health
Classification: Uncertain significance for Hereditary cancer-predisposing syndrome. Last evaluated: 2019-05-30. Review status: criteria provided, single submitter. Criteria: ACMG Guidelines, 2015. Collection method: clinical testing. Allele origin: germline.

NM_000059.4(BRCA2):c.5185A>G (p.Lys1729Glu)

Gene: BRCA2 (BRCA2 DNA repair associated; plus strand). Cytogenetic location: 13q13.1.
Variant type: single nucleotide variant.
Coding change: c.5185A>G on transcript NM_000059.4 (MANE Select); coding-DNA position 5185, A replaced by G.
Protein change: p.Lys1729Glu; replaces lysine 1729 with glutamic acid.
Molecular consequence: missense variant.
Genome position (GRCh38, 1-based): chr13:32,339,540, A>G. VCF-style: chr13-32339540-A-G. GRCh37 (hg19) VCF-style: chr13-32913677-A-G.
Other names: short protein forms K1729E.
Identifiers: ClinVar variation 920398 (VCV000920398.13), dbSNP rs2072522644, ClinGen allele CA387784563.
Genomic context (GRCh38, chr13:32,339,540, plus strand): 5'-GATTATGTAGGAAATTATTTGTATGAAAATAATTCAAACAGTACTATAGCTGAAAATGAC[A>G]AAAATCATCTCTCCGAAAAACAAGATACTTATTTAAGTAACAGTAGCATGTCTAACAGCT-3'
Protein context (NP_000050.3, residues 1719-1739): NSNSTIAEND[Lys1729Glu]NHLSEKQDTY